The following is an entry in ClinVar:

ClinVar aggregate classification (germline): Uncertain significance (1 of 4 stars; one submission).

Conditions:
Hereditary spastic paraplegia 28. Also called: Spastic paraplegia 28, autosomal recessive. Identifiers: Orphanet 101008, MedGen C1836295, MONDO:0012256, OMIM 609340.

Submission:

Labcorp Genetics (formerly Invitae), Labcorp
Classification: Uncertain significance for Hereditary spastic paraplegia 28. Last evaluated: 2022-11-21. Review status: criteria provided, single submitter. Criteria: Invitae Variant Classification Sherloc (09022015). Collection method: clinical testing. Allele origin: germline.
Comment: This variant is not present in population databases (gnomAD no frequency). This sequence change replaces glutamic acid, which is acidic and polar, with glycine, which is neutral and non-polar, at codon 703 of the DDHD1 protein (p.Glu703Gly). This variant has not been reported in the literature in individuals affected with DDHD1-related conditions. Advanced modeling of protein sequence and biophysical properties (such as structural, functional, and spatial information, amino acid conservation, physicochemical variation, residue mobility, and thermodynamic stability) performed at Invitae indicates that this missense variant is not expected to disrupt DDHD1 protein function. In summary, the available evidence is currently insufficient to determine the role of this variant in disease. Therefore, it has been classified as a Variant of Uncertain Significance.

NM_001160148.2(DDHD1):c.2087A>G (p.Glu696Gly)

Gene: DDHD1 (DDHD domain containing 1; minus strand). Cytogenetic location: 14q22.1.
Variant type: single nucleotide variant.
Coding change: c.2087A>G on transcript NM_001160148.2 (MANE Select); coding-DNA position 2087, A replaced by G.
Protein change: p.Glu696Gly; replaces glutamic acid 696 with glycine.
Molecular consequence: missense variant.
Genome position (GRCh38, 1-based): chr14:53,055,818, T>C on the plus strand (A>G on the coding strand, the complement: DDHD1 is on the minus strand). VCF-style: chr14-53055818-T-C. GRCh37 (hg19) VCF-style: chr14-53522536-T-C.
Other names: c.2108A>G, p.Glu703Gly (NM_001160147.2); c.2087A>G, p.Glu696Gly (NM_030637.3); short protein forms E703G, E696G.
Identifiers: ClinVar variation 2815247 (VCV002815247.3), dbSNP rs2503053614, ClinGen allele CA389771421.